The following is an entry in ClinVar:

ClinVar aggregate classification (germline): Uncertain significance (1 of 4 stars; one submission).

Allele frequency attached by ClinVar (database versions not stated): TOPMed below 0.00001.

Submission:

Labcorp Genetics (formerly Invitae), Labcorp
Classification: Uncertain significance. Last evaluated: 2022-03-23. Review status: criteria provided, single submitter. Criteria: Invitae Variant Classification Sherloc (09022015). Collection method: clinical testing. Allele origin: germline.
Comment: In summary, the available evidence is currently insufficient to determine the role of this variant in disease. Therefore, it has been classified as a Variant of Uncertain Significance. Advanced modeling of protein sequence and biophysical properties (such as structural, functional, and spatial information, amino acid conservation, physicochemical variation, residue mobility, and thermodynamic stability) performed at Invitae indicates that this missense variant is not expected to disrupt CPLANE1 protein function. This variant has not been reported in the literature in individuals affected with CPLANE1-related conditions. This variant is not present in population databases (gnomAD no frequency). This sequence change replaces glutamine, which is neutral and polar, with proline, which is neutral and non-polar, at codon 1493 of the CPLANE1 protein (p.Gln1493Pro).

NM_001384732.1(CPLANE1):c.4478A>C (p.Gln1493Pro)

Gene: CPLANE1 (ciliogenesis and planar polarity effector complex subunit 1; minus strand). Cytogenetic location: 5p13.2.
Variant type: single nucleotide variant.
Coding change: c.4478A>C on transcript NM_001384732.1 (MANE Select); coding-DNA position 4478, A replaced by C.
Protein change: p.Gln1493Pro; replaces glutamine 1493 with proline.
Molecular consequence: missense variant.
Genome position (GRCh38, 1-based): chr5:37,184,791, T>G on the plus strand (A>C on the coding strand, the complement: CPLANE1 is on the minus strand). VCF-style: chr5-37184791-T-G. GRCh37 (hg19) VCF-style: chr5-37184893-T-G.
Other names: c.4478A>C, p.Gln1493Pro (NM_023073.4); short protein forms Q1493P.
Identifiers: ClinVar variation 2116175 (VCV002116175.4), dbSNP rs768663702, ClinGen allele CA359498887.
Genomic context (GRCh38, chr5:37,184,791, plus strand): 5'-CTGAAAGCTACTTTTCAAAGGAAGTGAATGCCAGTGATTAAAAGATCTCAATTGTACCTT[T>G]GATAGATATTTATCCTACTTTTTTCTTCAACCGACAAAGCTTCAGAGAACGTATCTGCAT-3'
Protein context (NP_001371661.1, residues 1483-1503): VEEKSRINIY[Gln1493Pro]RNAPNHMELT